The following is an entry in ClinVar:

ClinVar aggregate classification (germline): Uncertain significance (1 of 4 stars; one submission).

Allele frequency attached by ClinVar (database versions not stated): ExAC 0.00002; gnomAD 0.00002; ESP Exome Variant Server 0.00008.

Submission:

Labcorp Genetics (formerly Invitae), Labcorp
Classification: Uncertain significance. Last evaluated: 2023-08-09. Review status: criteria provided, single submitter. Criteria: Invitae Variant Classification Sherloc (09022015). Collection method: clinical testing. Allele origin: germline.
Comment: Variants that disrupt the consensus splice site are a relatively common cause of aberrant splicing (PMID: 17576681, 9536098). Algorithms developed to predict the effect of sequence changes on RNA splicing suggest that this variant is not likely to affect RNA splicing. In summary, the available evidence is currently insufficient to determine the role of this variant in disease. Therefore, it has been classified as a Variant of Uncertain Significance. This variant has not been reported in the literature in individuals affected with SIPA1L3-related conditions. This sequence change falls in intron 9 of the SIPA1L3 gene. It does not directly change the encoded amino acid sequence of the SIPA1L3 protein. It affects a nucleotide within the consensus splice site. This variant is present in population databases (rs376106371, gnomAD 0.01%).

Literature cited by the submitters: PubMed 17576681; PubMed 9536098.

NM_015073.3(SIPA1L3):c.2869-3C>T

Gene: SIPA1L3 (signal induced proliferation associated 1 like 3; plus strand). Cytogenetic location: 19q13.13.
Variant type: single nucleotide variant.
Coding change: c.2869-3C>T on transcript NM_015073.3 (MANE Select); 3 bases into the intron before coding-DNA position 2869, C replaced by T.
Molecular consequence: intron variant.
Genome position (GRCh38, 1-based): chr19:38,130,495, C>T. VCF-style: chr19-38130495-C-T. GRCh37 (hg19) VCF-style: chr19-38621135-C-T.
Identifiers: ClinVar variation 3011498 (VCV003011498.3), dbSNP rs376106371, ClinGen allele CA9409816.
Genomic context (GRCh38, chr19:38,130,495, plus strand): 5'-GGGGTCTTCCAGAGGAGCTGACCCAAGCAGCTTCTGAGGCTCGATCCTGCCTGTGGCCTG[C>T]AGGTGATGACCAGTGGCTGGGAGACGGTGGACATGACGCTTCGGCGGAACGGGCTCGGGC-3'